The following is an entry in ClinVar:

NM_000426.4(LAMA2):c.7297C>T (p.Gln2433Ter)

Gene: LAMA2 (laminin subunit alpha 2; plus strand). Cytogenetic location: 6q22.33.
Variant type: single nucleotide variant.
Coding change: c.7297C>T on transcript NM_000426.4 (MANE Select); coding-DNA position 7297, C replaced by T.
Protein change: p.Gln2433Ter; replaces glutamine 2433 with a stop codon.
Molecular consequence: nonsense.
Genome position (GRCh38, 1-based): chr6:129,465,286, C>T. VCF-style: chr6-129465286-C-T. GRCh37 (hg19) VCF-style: chr6-129786431-C-T.
Other names: c.7297C>T, p.Gln2433Ter (NM_001079823.2); short protein forms Q2433*.
Identifiers: ClinVar variation 2152018 (VCV002152018.4), dbSNP rs1253505269, ClinGen allele CA365622275.

ClinVar aggregate classification (germline): Pathogenic (1 of 4 stars; one submission).

Conditions:
LAMA2-related muscular dystrophy (LAMA2-RD). Also called: Laminin alpha 2-related dystrophy. Identifiers: MedGen C5679788, MONDO:0100228.

Allele frequency attached by ClinVar (database versions not stated): TOPMed below 0.00001; gnomAD 0.00001.
gnomAD v4.1: 1 of 1,609,760 alleles (0.000062%); highest among the groups gnomAD compares: Non-Finnish European, 0.000085%; no homozygotes.

Submission:

Labcorp Genetics (formerly Invitae), Labcorp
Classification: Pathogenic for LAMA2-related muscular dystrophy. Last evaluated: 2022-04-30. Review status: criteria provided, single submitter. Criteria: Invitae Variant Classification Sherloc (09022015). Collection method: clinical testing. Allele origin: germline.
Comment: For these reasons, this variant has been classified as Pathogenic. This premature translational stop signal has been observed in individual(s) with LAMA2-related conditions (PMID: 30055037). This variant is not present in population databases (gnomAD no frequency). This sequence change creates a premature translational stop signal (p.Gln2433*) in the LAMA2 gene. It is expected to result in an absent or disrupted protein product. Loss-of-function variants in LAMA2 are known to be pathogenic (PMID: 18700894, 32904964).

Literature cited by the submitters: PubMed 30055037; PubMed 18700894; PubMed 32904964.